The following is an entry in ClinVar:

NM_006755.2(TALDO1):c.385T>C (p.Tyr129His)

Gene: TALDO1 (transaldolase 1; plus strand). Cytogenetic location: 11p15.5.
Variant type: single nucleotide variant.
Coding change: c.385T>C on transcript NM_006755.2 (MANE Select); coding-DNA position 385, T replaced by C.
Protein change: p.Tyr129His; replaces tyrosine 129 with histidine.
Molecular consequence: missense variant.
Genome position (GRCh38, 1-based): chr11:760,177, T>C. VCF-style: chr11-760177-T-C. GRCh37 (hg19) VCF-style: chr11-760177-T-C.
Other names: c.385T>C (NM_006755.1); short protein forms Y129H.
Identifiers: ClinVar variation 1918348 (VCV001918348.3), dbSNP rs1377456431, ClinGen allele CA378931594.

ClinVar aggregate classification (germline): Uncertain significance. Review status: criteria provided, multiple submitters, no conflicts (2 of 4 stars). 2 submissions from 2 submitters: Uncertain significance (2). Last evaluated 2025-02-25.

Conditions:
Inborn genetic diseases. Identifiers: MedGen C0950123, MeSH D030342.

Allele frequency attached by ClinVar (database versions not stated): TOPMed below 0.00001; gnomAD exomes 0.00001.
gnomAD v4.1: 8 of 1,614,254 alleles (0.0005%); highest among the groups gnomAD compares: Admixed American, 0.0017%; no homozygotes.

Submissions (2):

Ambry Genetics
Classification: Uncertain significance for Inborn genetic diseases. Last evaluated: 2025-02-25. Review status: criteria provided, single submitter. Criteria: Ambry Variant Classification Scheme 2023. Collection method: clinical testing. Allele origin: germline.

Labcorp Genetics (formerly Invitae), Labcorp
Classification: Uncertain significance. Last evaluated: 2022-02-19. Review status: criteria provided, single submitter. Criteria: Invitae Variant Classification Sherloc (09022015). Collection method: clinical testing. Allele origin: germline.
Comment: This sequence change replaces tyrosine, which is neutral and polar, with histidine, which is basic and polar, at codon 129 of the TALDO1 protein (p.Tyr129His). This variant is present in population databases (no rsID available, gnomAD 0.0009%). This variant has not been reported in the literature in individuals affected with TALDO1-related conditions. Algorithms developed to predict the effect of missense changes on protein structure and function (SIFT, PolyPhen-2, Align-GVGD) all suggest that this variant is likely to be disruptive. In summary, the available evidence is currently insufficient to determine the role of this variant in disease. Therefore, it has been classified as a Variant of Uncertain Significance.